The following is an entry in ClinVar:

NM_018139.3(DNAAF2):c.1643T>G (p.Leu548Arg)

Genes: DNAAF2 (dynein axonemal assembly factor 2; minus strand), LOC130055541 (ATAC-STARR-seq lymphoblastoid active region 8320; plus strand). Cytogenetic location: 14q21.3.
Variant type: single nucleotide variant.
Coding change: c.1643T>G on transcript NM_018139.3 (MANE Select); coding-DNA position 1643, T replaced by G.
Protein change: p.Leu548Arg; replaces leucine 548 with arginine.
Molecular consequence: missense variant. On other transcripts: 5 prime UTR variant (1).
Genome position (GRCh38, 1-based): chr14:49,633,507, A>C on the plus strand (T>G on the coding strand, the complement: DNAAF2 is on the minus strand). VCF-style: chr14-49633507-A-C. GRCh37 (hg19) VCF-style: chr14-50100225-A-C.
Other names: c.1643T>G, p.Leu548Arg (NM_001083908.2); c.-229T>G (NM_001378453.1); short protein forms L548R.
Identifiers: ClinVar variation 1479316 (VCV001479316.3), dbSNP rs1883221618, ClinGen allele CA389626364.

ClinVar aggregate classification (germline): Uncertain significance (1 of 4 stars; one submission).

Conditions:
Primary ciliary dyskinesia. Also called: Ciliary dyskinesia. Identifiers: Orphanet 244, MedGen C0008780, MONDO:0016575, HP:0012265.

Allele frequency attached by ClinVar (database versions not stated): gnomAD exomes below 0.00001; TOPMed below 0.00001.
gnomAD v4.1: 2 of 1,614,028 alleles (0.00012%); highest among the groups gnomAD compares: Non-Finnish European, 0.00017%; no homozygotes.

Submission:

Labcorp Genetics (formerly Invitae), Labcorp
Classification: Uncertain significance for Primary ciliary dyskinesia. Last evaluated: 2022-03-09. Review status: criteria provided, single submitter. Criteria: Invitae Variant Classification Sherloc (09022015). Collection method: clinical testing. Allele origin: germline.
Comment: This sequence change replaces leucine, which is neutral and non-polar, with arginine, which is basic and polar, at codon 548 of the DNAAF2 protein (p.Leu548Arg). This variant is not present in population databases (gnomAD no frequency). This variant has not been reported in the literature in individuals affected with DNAAF2-related conditions. Algorithms developed to predict the effect of missense changes on protein structure and function are either unavailable or do not agree on the potential impact of this missense change (SIFT: "Deleterious"; PolyPhen-2: "Probably Damaging"; Align-GVGD: "Class C0"). In summary, the available evidence is currently insufficient to determine the role of this variant in disease. Therefore, it has been classified as a Variant of Uncertain Significance.